The following is an entry in ClinVar:

ClinVar aggregate classification (germline): Uncertain significance (1 of 4 stars; one submission).

Conditions:
Inborn genetic diseases. Identifiers: MedGen C0950123, MeSH D030342.

Submission:

Ambry Genetics
Classification: Uncertain significance for Inborn genetic diseases. Last evaluated: 2024-12-20. Review status: criteria provided, single submitter. Criteria: Ambry Variant Classification Scheme 2023. Collection method: clinical testing. Allele origin: germline.
Comment: The p.E1374G variant (also known as c.4121A>G), located in coding exon 1 of the SAMD9 gene, results from an A to G substitution at nucleotide position 4121. The glutamic acid at codon 1374 is replaced by glycine, an amino acid with similar properties. This amino acid position is conserved. In addition, this alteration is predicted to be tolerated by in silico analysis. Based on the available evidence, the clinical significance of this variant remains unclear.

NM_017654.4(SAMD9):c.4121A>G (p.Glu1374Gly)

Gene: SAMD9 (sterile alpha motif domain containing 9; minus strand). Cytogenetic location: 7q21.2.
Variant type: single nucleotide variant.
Coding change: c.4121A>G on transcript NM_017654.4 (MANE Select); coding-DNA position 4121, A replaced by G.
Protein change: p.Glu1374Gly; replaces glutamic acid 1374 with glycine.
Molecular consequence: missense variant.
Genome position (GRCh38, 1-based): chr7:93,101,977, T>C on the plus strand (A>G on the coding strand, the complement: SAMD9 is on the minus strand). VCF-style: chr7-93101977-T-C. GRCh37 (hg19) VCF-style: chr7-92731290-T-C.
Other names: c.4121A>G, p.Glu1374Gly (NM_001193307.2); short protein forms E1374G.
Identifiers: ClinVar variation 3791938 (VCV003791938.1).